The following is an entry in ClinVar:

ClinVar aggregate classification (germline): Likely benign. Review status: criteria provided, multiple submitters, no conflicts (2 of 4 stars). 5 submissions from 5 submitters: Likely benign (5). Last evaluated 2025-03-05.

Conditions:
Cardiovascular phenotype. Identifiers: MedGen CN230736.
Cardiomyopathy (CMYO). Also called: Cardiomyopathies. Identifiers: Orphanet 167848, MedGen C0878544, MONDO:0004994, HP:0001638. Inheritance: Various modes of inheritance.
Hypertrophic cardiomyopathy. Also called: HYPERTROPHIC MYOCARDIOPATHY. Identifiers: Orphanet 217569, MedGen C0007194, MeSH D002312, MONDO:0005045, HP:0001639.

Allele frequency attached by ClinVar (database versions not stated): gnomAD exomes below 0.00001 and 0.00001; ExAC 0.00001; gnomAD 0.00003; TOPMed 0.00003; ESP Exome Variant Server 0.00008.
gnomAD v4.1: 7 of 1,614,036 alleles (0.00043%); highest among the groups gnomAD compares: African/African-American, 0.0093%; no homozygotes.

Submissions (5):

Labcorp Genetics (formerly Invitae), Labcorp
Classification: Likely benign for Hypertrophic cardiomyopathy. Last evaluated: 2025-03-05. Review status: criteria provided, single submitter. Criteria: Invitae Variant Classification Sherloc (09022015). Collection method: clinical testing. Allele origin: germline.

All of Us Research Program, National Institutes of Health
Classification: Likely benign for Cardiomyopathy. Last evaluated: 2024-05-30. Review status: criteria provided, single submitter. Criteria: ACMG Guidelines, 2015. Collection method: clinical testing. Allele origin: germline. Inheritance: Autosomal dominant inheritance. Observed: 1 variant allele, 1 heterozygote.
Comment: This study involves interpretation of variants in research participants for the purpose of population health screening. Participant phenotype was not available at the time of variant classification. Additional details can be found in publication PMID: 35346344, PMCID: PMC8962531

Ambry Genetics
Classification: Likely benign for Cardiovascular phenotype. Last evaluated: 2020-02-19. Review status: criteria provided, single submitter. Criteria: Ambry Variant Classification Scheme 2023. Collection method: clinical testing. Allele origin: germline.

Color Diagnostics, LLC DBA Color Health
Classification: Likely benign for Cardiomyopathy. Last evaluated: 2019-12-02. Review status: criteria provided, single submitter. Criteria: ACMG Guidelines, 2015. Collection method: clinical testing. Allele origin: germline.

GeneDx
Classification: Likely benign. Last evaluated: 2018-07-17. Review status: criteria provided, single submitter. Criteria: GeneDx Variant Classification Process June 2021. Collection method: clinical testing. Allele origin: germline. Affected: yes.

NM_000257.4(MYH7):c.5637G>A (p.Lys1879=)

Gene: MYH7 (myosin heavy chain 7; minus strand). Cytogenetic location: 14q11.2.
Variant type: single nucleotide variant.
Coding change: c.5637G>A on transcript NM_000257.4 (MANE Select); coding-DNA position 5637, G replaced by A.
Protein change: p.Lys1879=; no amino-acid change (lysine 1879 retained).
Molecular consequence: synonymous variant.
Genome position (GRCh38, 1-based): chr14:23,414,025, C>T on the plus strand (G>A on the coding strand, the complement: MYH7 is on the minus strand). VCF-style: chr14-23414025-C-T. GRCh37 (hg19) VCF-style: chr14-23883234-C-T.
Other names: c.5637G>A (LRG_384t1).
Identifiers: ClinVar variation 512739 (VCV000512739.13), dbSNP rs367580423, ClinGen allele CA047674.
Genomic context (GRCh38, chr14:23,414,025, plus strand): 5'-CCTATGCCTCCCCTGGGCCTAGTCCCCAGCAGGGTCACTCACCGCCTCCTCGGCCTGGCG[C>T]TTGTAGGCCTTGACCTTTAGCTGCAGCTTGTCTACCAGGTCCTGCAGCCGCAGCAGGTTT-3'
Protein context (NP_000248.2, residues 1869-1889): DKLQLKVKAY[Lys1879=]RQAEEAEEQA